The following is an entry in ClinVar:

ClinVar aggregate classification (germline): Uncertain significance (1 of 4 stars; one submission).

Submission:

Labcorp Genetics (formerly Invitae), Labcorp
Classification: Uncertain significance. Last evaluated: 2024-08-12. Review status: criteria provided, single submitter. Criteria: Invitae Variant Classification Sherloc (09022015). Collection method: clinical testing. Allele origin: germline.
Comment: This sequence change replaces methionine, which is neutral and non-polar, with lysine, which is basic and polar, at codon 125 of the OPA1 protein (p.Met125Lys). This variant is not present in population databases (gnomAD no frequency). This variant has not been reported in the literature in individuals affected with OPA1-related conditions. Advanced modeling of protein sequence and biophysical properties (such as structural, functional, and spatial information, amino acid conservation, physicochemical variation, residue mobility, and thermodynamic stability) performed at Invitae indicates that this missense variant is not expected to disrupt OPA1 protein function with a negative predictive value of 80%. In summary, the available evidence is currently insufficient to determine the role of this variant in disease. Therefore, it has been classified as a Variant of Uncertain Significance.

NM_130837.3(OPA1):c.374T>A (p.Met125Lys)

Gene: OPA1 (OPA1 mitochondrial dynamin like GTPase; plus strand). Cytogenetic location: 3q29.
Variant type: single nucleotide variant.
Coding change: c.374T>A on transcript NM_130837.3 (MANE Select); coding-DNA position 374, T replaced by A.
Protein change: p.Met125Lys; replaces methionine 125 with lysine.
Molecular consequence: missense variant. On other transcripts: initiator codon variant (2).
Genome position (GRCh38, 1-based): chr3:193,615,696, T>A. VCF-style: chr3-193615696-T-A. GRCh37 (hg19) VCF-style: chr3-193333485-T-A.
Other names: c.2T>A, p.Met1Lys (NM_001354663.2, NM_001354664.2); c.374T>A, p.Met125Lys (NM_015560.3, NM_130831.3, NM_130832.3 and 4 more transcripts); short protein forms M125K, M1K.
Identifiers: ClinVar variation 3662075 (VCV003662075.2).
Genomic context (GRCh38, chr3:193,615,696, plus strand): 5'-TGCAGAGCATCTGATTGACACACTTTCTTGTCTTTTAGACTTTTGATCAGTGGAAAGATA[T>A]GATACCGGACCTTAGTGAATATAAATGGATTGTGCCTGACATTGTGTGGGAAATTGATGA-3'
Protein context (NP_570850.2, residues 115-135): AKKTFDQWKD[Met125Lys]IPDLSEYKWI